The following is an entry in ClinVar:

NM_004304.5(ALK):c.1666A>G (p.Ile556Val)

Gene: ALK (ALK receptor tyrosine kinase; minus strand). Cytogenetic location: 2p23.2.
Variant type: single nucleotide variant.
Coding change: c.1666A>G on transcript NM_004304.5 (MANE Select); coding-DNA position 1666, A replaced by G.
Protein change: p.Ile556Val; replaces isoleucine 556 with valine.
Molecular consequence: missense variant.
Genome position (GRCh38, 1-based): chr2:29,297,039, T>C on the plus strand (A>G on the coding strand, the complement: ALK is on the minus strand). VCF-style: chr2-29297039-T-C. GRCh37 (hg19) VCF-style: chr2-29519905-T-C.
Other names: short protein forms I556V.
Identifiers: ClinVar variation 4542996 (VCV004542996.1).

ClinVar aggregate classification (germline): Uncertain significance (1 of 4 stars; one submission).

Conditions:
Hereditary cancer-predisposing syndrome. Also called: Tumor predisposition; Hereditary Cancer Syndrome; Hereditary neoplastic syndrome; Neoplastic Syndromes, Hereditary. Identifiers: Orphanet 140162, MedGen C0027672, MeSH D009386, MONDO:0015356.

Submission:

Ambry Genetics
Classification: Uncertain significance for Hereditary cancer-predisposing syndrome. Last evaluated: 2025-11-29. Review status: criteria provided, single submitter. Criteria: Ambry Variant Classification Scheme 2023. Collection method: clinical testing. Allele origin: germline.
Comment: The p.I556V variant (also known as c.1666A>G), located in coding exon 9 of the ALK gene, results from an A to G substitution at nucleotide position 1666. The isoleucine at codon 556 is replaced by valine, an amino acid with highly similar properties. This amino acid position is conserved. In addition, this alteration is predicted to be tolerated by in silico analysis. Based on the available evidence, the clinical significance of this variant remains unclear.